The following is an entry in ClinVar:

ClinVar aggregate classification (germline): Uncertain significance (1 of 4 stars; one submission).

Submission:

Labcorp Genetics (formerly Invitae), Labcorp
Classification: Uncertain significance. Last evaluated: 2022-02-03. Review status: criteria provided, single submitter. Criteria: Invitae Variant Classification Sherloc (09022015). Collection method: clinical testing. Allele origin: germline.
Comment: In summary, the available evidence is currently insufficient to determine the role of this variant in disease. Therefore, it has been classified as a Variant of Uncertain Significance. Algorithms developed to predict the effect of missense changes on protein structure and function are either unavailable or do not agree on the potential impact of this missense change (SIFT: "Not Available"; PolyPhen-2: "Possibly Damaging"; Align-GVGD: "Not Available"). This variant has not been reported in the literature in individuals affected with CEP250-related conditions. This variant is not present in population databases (gnomAD no frequency). This sequence change replaces alanine, which is neutral and non-polar, with serine, which is neutral and polar, at codon 676 of the CEP250 protein (p.Ala676Ser).

NM_007186.6(CEP250):c.2026G>T (p.Ala676Ser)

Genes: CEP250 (centrosomal protein 250; plus strand), CEP250-AS1 (CEP250 antisense RNA 1; minus strand). Cytogenetic location: 20q11.22.
Variant type: single nucleotide variant.
Coding change: c.2026G>T on transcript NM_007186.6 (MANE Select); coding-DNA position 2026, G replaced by T.
Protein change: p.Ala676Ser; replaces alanine 676 with serine.
Molecular consequence: missense variant.
Genome position (GRCh38, 1-based): chr20:35,478,033, G>T. VCF-style: chr20-35478033-G-T. GRCh37 (hg19) VCF-style: chr20-34065858-G-T.
Other names: c.130G>T, p.Ala44Ser (NM_001318219.1); short protein forms A44S, A676S.
Identifiers: ClinVar variation 1469593 (VCV001469593.8), dbSNP rs1400411505, ClinGen allele CA408766615.